The following continues an entry in ClinVar:

NM_000059.4(BRCA2):c.865A>C (p.Asn289His)

Gene: BRCA2. ClinVar aggregate classification (germline): Benign. Benign (1).

Submissions 20 to 41 of 41:

Clinical Genetics DNA and cytogenetics Diagnostics Lab, Erasmus MC, Erasmus Medical Center
Classification: Benign for Breast-ovarian cancer, familial, susceptibility to, 2. Last evaluated: 2015-09-21. Review status: criteria provided, single submitter. Criteria: ACGS Guidelines, 2013. Collection method: clinical testing. Allele origin: germline. Affected: yes. Study: VKGL Data-share Consensus. Not counted in ClinVar's aggregate classification.

Eurofins Ntd Llc (ga)
Classification: Benign. Last evaluated: 2015-06-30. Review status: criteria provided, single submitter. Criteria: EGL Classification Definitions 2015. Collection method: clinical testing. Allele origin: germline. Observed: 48 variant alleles, 47 heterozygotes, 1 homozygote. Not counted in ClinVar's aggregate classification.

Ambry Genetics
Classification: Benign for Hereditary cancer-predisposing syndrome. Last evaluated: 2014-11-19. Review status: criteria provided, single submitter. Criteria: Ambry Variant Classification Scheme 2023. Collection method: clinical testing. Allele origin: germline. Not counted in ClinVar's aggregate classification.

Color Diagnostics, LLC DBA Color Health
Classification: Benign for Hereditary cancer-predisposing syndrome. Last evaluated: 2014-11-04. Review status: criteria provided, single submitter. Criteria: ACMG Guidelines, 2015. Collection method: clinical testing. Allele origin: germline. Not counted in ClinVar's aggregate classification.

Molecular Genetics Laboratory, University of Michigan
Classification: Benign for Breast-ovarian cancer, familial, susceptibility to, 2. Last evaluated: 2014-11-03. Review status: criteria provided, single submitter. Criteria: ACMG Guidelines, 2015. Collection method: clinical testing. Allele origin: germline. Affected: yes. Not counted in ClinVar's aggregate classification.

Genome Diagnostics Laboratory, University Medical Center Utrecht
Classification: Benign for Breast-ovarian cancer, familial, susceptibility to, 2. Last evaluated: 2014-10-09. Review status: criteria provided, single submitter. Criteria: ACGS Guidelines, 2013. Collection method: clinical testing. Allele origin: germline. Affected: yes. Study: VKGL Data-share Consensus. Not counted in ClinVar's aggregate classification.

Women's Health and Genetics/Laboratory Corporation of America, LabCorp
Classification: Benign for Hereditary breast ovarian cancer syndrome. Last evaluated: 2014-01-13. Review status: criteria provided, single submitter. Criteria: LabCorp Variant Classification Summary - May 2015. Collection method: clinical testing. Allele origin: germline. Not counted in ClinVar's aggregate classification.

GeneDx
Classification: Benign. Last evaluated: 2013-09-27. Review status: criteria provided, single submitter. Criteria: GeneDx Variant Classification (06012015). Collection method: clinical testing. Allele origin: germline. Affected: yes. Not counted in ClinVar's aggregate classification.
Comment: This variant is considered likely benign or benign based on one or more of the following criteria: it is a conservative change, it occurs at a poorly conserved position in the protein, it is predicted to be benign by multiple in silico algorithms, and/or has population frequency not consistent with disease.

Breakthrough Genomics
Classification: Benign. Review status: criteria provided, single submitter. Criteria: ACMG Guidelines, 2015. Collection method: not provided. Allele origin: germline. Inheritance: Autosomal recessive inheritance. Affected: yes. Not counted in ClinVar's aggregate classification.

GreenArray Genomic Research & Solutions of Accurate Diagnostic Private Limited
Classification: Benign for Breast-ovarian cancer, familial, susceptibility to, 2. Review status: criteria provided, single submitter. Criteria: ACMG Guidelines, 2015. Collection method: clinical testing. Allele origin: germline. Affected: no. Not counted in ClinVar's aggregate classification.

PreventionGenetics, part of Exact Sciences
Classification: Benign. Review status: criteria provided, single submitter. Criteria: ACMG Guidelines, 2015. Collection method: clinical testing. Allele origin: germline. Not counted in ClinVar's aggregate classification.

Mayo Clinic Laboratories, Mayo Clinic
Classification: Benign. Last evaluated: 2017-03-06. Review status: no assertion criteria provided. Collection method: clinical testing. Allele origin: unknown. Not counted in ClinVar's aggregate classification.

Counsyl
Classification: Benign for Breast-ovarian cancer, familial 2. Last evaluated: 2014-01-02. Review status: no assertion criteria provided. Collection method: literature only. Allele origin: unknown. Inheritance: Autosomal dominant inheritance. Not counted in ClinVar's aggregate classification.
Comment: High frequency in a 1kG or ESP population: 3.7 %. This submission and the accompanying classification are no longer maintained by the submitter.

ITMI
No classification provided. Condition: AllHighlyPenetrant. Last evaluated: 2013-09-19. Review status: no classification provided. Collection method: reference population. Allele origin: germline. Not counted in ClinVar's aggregate classification.
Comment: Please see associated publication for description of ethnicities

Biesecker Lab/Clinical Genomics Section, National Institutes of Health
Classification: Benign. Last evaluated: 2012-07-13. Review status: no assertion criteria provided. Collection method: research. Allele origin: germline. Affected: no. Observed: 55 variant alleles. Study: ClinSeq. Not counted in ClinVar's aggregate classification.
ClinVar note: Converted during submission from no known pathogenicity to Benign.

Sharing Clinical Reports Project (SCRP)
Classification: Benign for Breast-ovarian cancer, familial 2. Last evaluated: 2011-03-15. Review status: no assertion criteria provided. Collection method: clinical testing. Allele origin: germline. Not counted in ClinVar's aggregate classification.

Breast Cancer Information Core (BIC) (BRCA2)
Classification: Benign for Breast-ovarian cancer, familial 2. Last evaluated: 2002-05-29. Review status: no assertion criteria provided. Collection method: clinical testing. Allele origin: germline. Affected: yes. Observed: 48 variant alleles. Not counted in ClinVar's aggregate classification.

Clinical Genetics Laboratory, Department of Pathology, Netherlands Cancer Institute
Classification: Benign. Review status: no assertion criteria provided. Collection method: clinical testing. Allele origin: germline. Affected: yes. Study: VKGL Data-share Consensus. Not counted in ClinVar's aggregate classification.

Department of Pathology and Laboratory Medicine, Sinai Health System
Classification: Benign. Review status: no assertion criteria provided. Collection method: clinical testing. Allele origin: unknown. Affected: yes. Study: The Canadian Open Genetics Repository (COGR). Not counted in ClinVar's aggregate classification.

Diagnostic Laboratory, Department of Genetics, University Medical Center Groningen
Classification: Benign for Breast-ovarian cancer, familial, susceptibility to, 2. Review status: no assertion criteria provided. Collection method: clinical testing. Allele origin: germline. Affected: yes. Study: VKGL Data-share Consensus. Not counted in ClinVar's aggregate classification.

Joint Genome Diagnostic Labs from Nijmegen and Maastricht, Radboudumc and MUMC+
Classification: Benign. Review status: no assertion criteria provided. Collection method: clinical testing. Allele origin: germline. Affected: yes. Study: VKGL Data-share Consensus. Not counted in ClinVar's aggregate classification.

Laboratory of Diagnostic Genome Analysis, Leiden University Medical Center (LUMC)
Classification: Benign. Review status: no assertion criteria provided. Collection method: clinical testing. Allele origin: germline. Affected: yes. Study: VKGL Data-share Consensus. Not counted in ClinVar's aggregate classification.

Literature cited by the submitters: DOI 10.3389/fgene.2022.834265 (cited by National Health Laboratory Service, Universitas Academic Hospital and University of the Free State); PubMed 36329109 (cited by Genetics Program, Instituto Nacional de Cancer); PubMed 24728327 (cited by ITMI).